The following is an entry in ClinVar:

ClinVar aggregate classification (germline): Uncertain significance (1 of 4 stars; one submission).

Submission:

Labcorp Genetics (formerly Invitae), Labcorp
Classification: Uncertain significance. Last evaluated: 2025-02-28. Review status: criteria provided, single submitter. Criteria: Invitae Variant Classification Sherloc (09022015). Collection method: clinical testing. Allele origin: germline.
Comment: This sequence change replaces methionine, which is neutral and non-polar, with isoleucine, which is neutral and non-polar, at codon 576 of the SLC7A14 protein (p.Met576Ile). This variant is not present in population databases (gnomAD no frequency). This variant has not been reported in the literature in individuals affected with SLC7A14-related conditions. An algorithm developed to predict the effect of missense changes on protein structure and function outputs the following: PolyPhen-2: "Benign". The isoleucine amino acid residue is found in multiple mammalian species, which suggests that this missense change does not adversely affect protein function. In summary, the available evidence is currently insufficient to determine the role of this variant in disease. Therefore, it has been classified as a Variant of Uncertain Significance.

NM_020949.3(SLC7A14):c.1728G>A (p.Met576Ile)

Genes: SLC7A14 (solute carrier family 7 member 14; minus strand), SLC7A14-AS1 (SLC7A14 antisense RNA 1; plus strand). Cytogenetic location: 3q26.2.
Variant type: single nucleotide variant.
Coding change: c.1728G>A on transcript NM_020949.3 (MANE Select); coding-DNA position 1728, G replaced by A.
Protein change: p.Met576Ile; replaces methionine 576 with isoleucine.
Molecular consequence: missense variant.
Genome position (GRCh38, 1-based): chr3:170,480,554, C>T on the plus strand (G>A on the coding strand, the complement: SLC7A14 is on the minus strand). VCF-style: chr3-170480554-C-T. GRCh37 (hg19) VCF-style: chr3-170198343-C-T.
Other names: short protein forms M576I.
Identifiers: ClinVar variation 4693499 (VCV004693499.1).